The following is an entry in ClinVar:

ClinVar aggregate classification (germline): Pathogenic (1 of 4 stars; one submission).

Allele frequency attached by ClinVar (database versions not stated): gnomAD exomes below 0.00001.
gnomAD v4.1: 1 of 1,601,566 alleles (0.000062%); highest among the groups gnomAD compares: Non-Finnish European, 0.000085%; no homozygotes.

Submission:

Labcorp Genetics (formerly Invitae), Labcorp
Classification: Pathogenic. Last evaluated: 2018-05-05. Review status: criteria provided, single submitter. Criteria: Invitae Variant Classification Sherloc (09022015). Collection method: clinical testing. Allele origin: germline.
Comment: For these reasons, this variant has been classified as Pathogenic. Loss-of-function variants in NAA15 are known to be pathogenic (PMID: 28191889). This variant has not been reported in the literature in individuals with NAA15-related disease. This variant is not present in population databases (ExAC no frequency). This sequence change creates a premature translational stop signal (p.Lys94*) in the NAA15 gene. It is expected to result in an absent or disrupted protein product.

Literature cited by the submitters: PubMed 28191889.

NM_057175.5(NAA15):c.280A>T (p.Lys94Ter)

Gene: NAA15 (N-alpha-acetyltransferase 15, NatA auxiliary subunit; plus strand). Cytogenetic location: 4q31.1.
Variant type: single nucleotide variant.
Coding change: c.280A>T on transcript NM_057175.5 (MANE Select); coding-DNA position 280, A replaced by T.
Protein change: p.Lys94Ter; replaces lysine 94 with a stop codon.
Molecular consequence: nonsense.
Genome position (GRCh38, 1-based): chr4:139,340,947, A>T. VCF-style: chr4-139340947-A-T. GRCh37 (hg19) VCF-style: chr4-140262101-A-T.
Other names: short protein forms K94*.
Identifiers: ClinVar variation 1070402 (VCV001070402.7), dbSNP rs2110911005, ClinGen allele CA358259647.